The following is an entry in ClinVar:

NM_001387430.1(SH2B1):c.1599_1600del (p.Arg534fs)

Gene: SH2B1 (SH2B adaptor protein 1; plus strand). Cytogenetic location: 16p11.2.
Variant type: Microsatellite.
Coding change: c.1599_1600del on transcript NM_001387430.1 (MANE Select); coding-DNA positions 1599 to 1600, 2 bases deleted (TC; older notation c.1599_1600delTC).
Protein change: p.Arg534fs; shifts the reading frame from arginine 534.
Molecular consequence: frameshift variant.
Genome position (GRCh38, 1-based): chr16:28,872,275-28,872,276, TC deleted; deleting any 2 consecutive bases within chr16:28,872,270-28,872,276 gives the same sequence; the c. name uses the placement nearest the transcript's 3' end. VCF-style (leftmost placement, unchanged base first): chr16-28872269-GCT-G. GRCh37 (hg19) VCF-style: chr16-28883590-GCT-G.
Other names: c.1599_1600del, p.Arg534fs (NM_001145795.2, NM_001145796.2, NM_001145797.2 and 4 more transcripts); c.591_592del, p.Arg198fs (NM_001308294.2); short protein forms R198fs, R534fs.
Identifiers: ClinVar variation 4998811 (VCV004998811.1).
Genomic context (GRCh38, chr16:28,872,269, plus strand): 5'-GGAGCCAGAGGGCGGTGAGGGGGACCAGCCCCTCTCAGGGTATCCTTGGTTCCACGGGAT[GCT>G]CTCTCGGCTCAAGGCTGCACAGTTGGTGCTGACTGGCGGCACTGGCTCCCACGGTGTCTT-3'

ClinVar aggregate classification (germline): Uncertain significance (1 of 4 stars; one submission).

Conditions:
SH2B1-related disorder. Also called: SH2B1-related condition.

Submission:

PreventionGenetics, part of Exact Sciences
Classification: Uncertain significance for SH2B1-related condition. Last evaluated: 2025-01-19. Review status: criteria provided, single submitter. Criteria: ACMG Guidelines, 2015. Collection method: clinical testing. Allele origin: germline.
Comment: The SH2B1 c.1599_1600delTC variant is predicted to result in a frameshift and premature protein termination (p.Arg534Alafs*24). To our knowledge, this variant has not been reported in the literature or in a large population database (gnomAD), indicating this variant is rare. Loss-of-function is not an established mechanism of disease for the SH2B1 gene. At this time, the clinical significance of this variant is uncertain due to the absence of conclusive functional and genetic evidence.